The following is an entry in ClinVar:

NM_002025.4(AFF2):c.754C>G (p.Pro252Ala)

Gene: AFF2 (ALF transcription elongation factor 2; plus strand). Cytogenetic location: Xq28.
Variant type: single nucleotide variant.
Coding change: c.754C>G on transcript NM_002025.4 (MANE Select); coding-DNA position 754, C replaced by G.
Protein change: p.Pro252Ala; replaces proline 252 with alanine.
Molecular consequence: missense variant.
Genome position (GRCh38, 1-based): chrX:148,662,481, C>G. VCF-style: chrX-148662481-C-G. GRCh37 (hg19) VCF-style: chrX-147744002-C-G.
Other names: c.742C>G, p.Pro248Ala (NM_001169122.2, NM_001169123.2, NM_001169125.2); c.754C>G, p.Pro252Ala (NM_001169124.2); short protein forms P248A, P252A.
Identifiers: ClinVar variation 4976265 (VCV004976265.1).

ClinVar aggregate classification (germline): Uncertain significance (1 of 4 stars; one submission).

Submission:

GeneDx
Classification: Uncertain significance. Last evaluated: 2026-02-21. Review status: criteria provided, single submitter. Criteria: GeneDx Variant Classification Process June 2021. Collection method: clinical testing. Allele origin: germline.
Comment: Not observed at significant frequency in large population cohorts (gnomAD); In silico analysis supports that this missense variant has a deleterious effect on protein structure/function; Has not been previously published as pathogenic or benign to our knowledge